The following is an entry in ClinVar:

ClinVar aggregate classification (germline): Uncertain significance. Review status: criteria provided, multiple submitters, no conflicts (2 of 4 stars). 3 submissions from 3 submitters: Uncertain significance (3). Last evaluated 2024-04-25.

Conditions:
Gorlin syndrome. Also called: Nevoid Basal Cell Carcinoma Syndrome; Basal cell nevus syndrome. Identifiers: Orphanet 377, MedGen C0004779, MONDO:0007187.
Hereditary cancer-predisposing syndrome. Also called: Hereditary Cancer Syndrome; Hereditary neoplastic syndrome; Neoplastic Syndromes, Hereditary; Tumor predisposition. Identifiers: Orphanet 140162, MedGen C0027672, MeSH D009386, MONDO:0015356.

Submissions (3):

Ambry Genetics
Classification: Uncertain significance for Hereditary cancer-predisposing syndrome. Last evaluated: 2024-04-25. Review status: criteria provided, single submitter. Criteria: Ambry Variant Classification Scheme 2023. Collection method: clinical testing. Allele origin: germline.
Comment: The p.A482V variant (also known as c.1445C>T), located in coding exon 10 of the PTCH1 gene, results from a C to T substitution at nucleotide position 1445. The alanine at codon 482 is replaced by valine, an amino acid with similar properties. This amino acid position is conserved. In addition, this alteration is predicted to be deleterious by in silico analysis. Based on the available evidence, the clinical significance of this variant remains unclear.

GeneDx
Classification: Uncertain significance. Last evaluated: 2023-11-09. Review status: criteria provided, single submitter. Criteria: GeneDx Variant Classification Process June 2021. Collection method: clinical testing. Allele origin: germline. Affected: yes.
Comment: Not observed at significant frequency in large population cohorts (gnomAD); In silico analysis supports that this missense variant has a deleterious effect on protein structure/function; Has not been previously published as pathogenic or benign to our knowledge; This variant is associated with the following publications: (PMID: 11369205)

Labcorp Genetics (formerly Invitae), Labcorp
Classification: Uncertain significance for Gorlin syndrome. Last evaluated: 2023-07-19. Review status: criteria provided, single submitter. Criteria: Invitae Variant Classification Sherloc (09022015). Collection method: clinical testing. Allele origin: germline.
Comment: This sequence change replaces alanine, which is neutral and non-polar, with valine, which is neutral and non-polar, at codon 482 of the PTCH1 protein (p.Ala482Val). This variant is not present in population databases (gnomAD no frequency). This variant has not been reported in the literature in individuals affected with PTCH1-related conditions. Advanced modeling of protein sequence and biophysical properties (such as structural, functional, and spatial information, amino acid conservation, physicochemical variation, residue mobility, and thermodynamic stability) performed at Invitae indicates that this missense variant is not expected to disrupt PTCH1 protein function. In summary, the available evidence is currently insufficient to determine the role of this variant in disease. Therefore, it has been classified as a Variant of Uncertain Significance.

NM_000264.5(PTCH1):c.1445C>T (p.Ala482Val)

Gene: PTCH1 (patched 1; minus strand). Cytogenetic location: 9q22.32.
Variant type: single nucleotide variant.
Coding change: c.1445C>T on transcript NM_000264.5 (MANE Select); coding-DNA position 1445, C replaced by T.
Protein change: p.Ala482Val; replaces alanine 482 with valine.
Molecular consequence: missense variant. On other transcripts: non-coding transcript variant (1), intron variant (1).
Genome position (GRCh38, 1-based): chr9:95,477,605, G>A on the plus strand (C>T on the coding strand, the complement: PTCH1 is on the minus strand). VCF-style: chr9-95477605-G-A. GRCh37 (hg19) VCF-style: chr9-98239887-G-A.
Other names: c.1247C>T, p.Ala416Val (NM_001083602.3); c.1442C>T, p.Ala481Val (NM_001083603.3); c.992C>T, p.Ala331Val (NM_001083604.3, NM_001083605.3, NM_001083606.3 and 1 more transcripts); c.1347+450C>T (NM_001354918.2); short protein forms A331V, A416V, A482V, A481V.
Identifiers: ClinVar variation 2814247 (VCV002814247.5), dbSNP rs2538205145, ClinGen allele CA374118488.